The following is an entry in ClinVar:

NM_032634.4(PIGO):c.2602_2605del (p.Leu868fs)

Gene: PIGO (phosphatidylinositol glycan anchor biosynthesis class O; minus strand). Cytogenetic location: 9p13.3.
Variant type: Microsatellite.
Coding change: c.2602_2605del on transcript NM_032634.4 (MANE Select); coding-DNA positions 2602 to 2605, 4 bases deleted (CTTC; older notation c.2602_2605delCTTC).
Protein change: p.Leu868fs; shifts the reading frame from leucine 868.
Molecular consequence: frameshift variant.
Genome position (GRCh38, 1-based): chr9:35,091,282-35,091,285, GAAG deleted on the plus strand (CTTC on the coding strand, the reverse complement: PIGO is on the minus strand); deleting any 4 consecutive bases within chr9:35,091,282-35,091,289 gives the same sequence; the c. name uses the placement nearest the transcript's 3' end. VCF-style (leftmost placement, unchanged base first): chr9-35091281-AGAAG-A. GRCh37 (hg19) VCF-style: chr9-35091278-AGAAG-A.
Other names: c.1351_1354del, p.Leu451fs (NM_001201484.2, NM_152850.4); short protein forms L451fs, L868fs.
Identifiers: ClinVar variation 1072029 (VCV001072029.7), dbSNP rs2131073372, ClinGen allele CA2580616177.

ClinVar aggregate classification (germline): Pathogenic (1 of 4 stars; one submission).

Conditions:
Hyperphosphatasia with impaired intellectual development syndrome 2. Also called: Hyperphosphatasia with intellectual disability syndrome 2; GLYCOSYLPHOSPHATIDYLINOSITOL BIOSYNTHESIS DEFECT 6. Identifiers: Orphanet 247262, MedGen C3553637, MONDO:0013882, OMIM 614749.

Submission:

Labcorp Genetics (formerly Invitae), Labcorp
Classification: Pathogenic for Hyperphosphatasia with impaired intellectual development syndrome 2. Last evaluated: 2020-02-05. Review status: criteria provided, single submitter. Criteria: Invitae Variant Classification Sherloc (09022015). Collection method: clinical testing. Allele origin: germline.
Comment: This sequence change creates a premature translational stop signal (p.Leu868Serfs*70) in the PIGO gene. It is expected to result in an absent or disrupted protein product. This variant is not present in population databases (ExAC no frequency). For these reasons, this variant has been classified as Pathogenic. Loss-of-function variants in PIGO are known to be pathogenic (PMID: 22683086, 24417746). This variant has not been reported in the literature in individuals with PIGO-related conditions.

Literature cited by the submitters: PubMed 22683086; PubMed 24417746.